The following is an entry in ClinVar:

ClinVar aggregate classification (germline): Uncertain significance (1 of 4 stars; one submission).

Conditions:
Cardiovascular phenotype. Identifiers: MedGen CN230736.

Submission:

Ambry Genetics
Classification: Uncertain significance for Cardiovascular phenotype. Last evaluated: 2024-02-25. Review status: criteria provided, single submitter. Criteria: Ambry Variant Classification Scheme 2023. Collection method: clinical testing. Allele origin: germline.
Comment: The p.L1230F variant (also known as c.3690A>T), located in coding exon 23 of the APOB gene, results from an A to T substitution at nucleotide position 3690. The leucine at codon 1230 is replaced by phenylalanine, an amino acid with highly similar properties. This amino acid position is conserved. In addition, this alteration is predicted to be tolerated by in silico analysis. Based on the available evidence, the clinical significance of this alteration remains unclear.

NM_000384.3(APOB):c.3690A>T (p.Leu1230Phe)

Gene: APOB (apolipoprotein B; minus strand). Cytogenetic location: 2p24.1.
Variant type: single nucleotide variant.
Coding change: c.3690A>T on transcript NM_000384.3 (MANE Select); coding-DNA position 3690, A replaced by T.
Protein change: p.Leu1230Phe; replaces leucine 1230 with phenylalanine.
Molecular consequence: missense variant.
Genome position (GRCh38, 1-based): chr2:21,015,079, T>A on the plus strand (A>T on the coding strand, the complement: APOB is on the minus strand). VCF-style: chr2-21015079-T-A. GRCh37 (hg19) VCF-style: chr2-21237951-T-A.
Other names: short protein forms L1230F.
Identifiers: ClinVar variation 3231403 (VCV003231403.1), dbSNP rs2465386599, ClinGen allele CA346008515.